The following is an entry in ClinVar:

NM_001927.4(DES):c.986A>G (p.Gln329Arg)

Gene: DES (desmin; plus strand). Cytogenetic location: 2q35.
Variant type: single nucleotide variant.
Coding change: c.986A>G on transcript NM_001927.4 (MANE Select); coding-DNA position 986, A replaced by G.
Protein change: p.Gln329Arg; replaces glutamine 329 with arginine.
Molecular consequence: missense variant. On other transcripts: intron variant (1).
Genome position (GRCh38, 1-based): chr2:219,420,916, A>G. VCF-style: chr2-219420916-A-G. GRCh37 (hg19) VCF-style: chr2-220285638-A-G.
Other names: c.983A>G, p.Gln328Arg (NM_001382708.1); c.986A>G, p.Gln329Arg (NM_001382710.1, NM_001382711.1, NM_001382712.1); c.716A>G, p.Gln239Arg (NM_001382713.1); c.736-568A>G (NM_001382709.1); short protein forms Q328R, Q329R, Q239R.
Identifiers: ClinVar variation 2946867 (VCV002946867.3), dbSNP rs1060503168, ClinGen allele CA350693046.

ClinVar aggregate classification (germline): Uncertain significance (1 of 4 stars; one submission).

Conditions:
Desmin-related myofibrillar myopathy (MFM1). Also called: MYOFIBRILLAR MYOPATHY WITH ARRHYTHMOGENIC RIGHT VENTRICULAR CARDIOMYOPATHY; DESMIN-RELATED MYOPATHY WITH ARRHYTHMOGENIC RIGHT VENTRICULAR CARDIOMYOPATHY; Desminopathy; Desmin related myopathy (former name); Desmin storage myopathy (former name); Myofibrillar myopathy 1. Identifiers: Orphanet 363543, Orphanet 98909, MedGen C1832370, MONDO:0011076, OMIM 601419.

Submission:

Labcorp Genetics (formerly Invitae), Labcorp
Classification: Uncertain significance for Desmin-related myofibrillar myopathy. Last evaluated: 2023-12-31. Review status: criteria provided, single submitter. Criteria: Invitae Variant Classification Sherloc (09022015). Collection method: clinical testing. Allele origin: germline.
Comment: This sequence change replaces glutamine, which is neutral and polar, with arginine, which is basic and polar, at codon 329 of the DES protein (p.Gln329Arg). This variant is not present in population databases (gnomAD no frequency). This variant has not been reported in the literature in individuals affected with DES-related conditions. Advanced modeling of protein sequence and biophysical properties (such as structural, functional, and spatial information, amino acid conservation, physicochemical variation, residue mobility, and thermodynamic stability) has been performed at Invitae for this missense variant, however the output from this modeling did not meet the statistical confidence thresholds required to predict the impact of this variant on DES protein function. In summary, the available evidence is currently insufficient to determine the role of this variant in disease. Therefore, it has been classified as a Variant of Uncertain Significance.